The following is an entry in ClinVar:

ClinVar aggregate classification (germline): Uncertain significance (1 of 4 stars; one submission).

Conditions:
ANKRD1-related dilated cardiomyopathy. Identifiers: MedGen CN119551.

Submission:

Labcorp Genetics (formerly Invitae), Labcorp
Classification: Uncertain significance for ANKRD1-related dilated cardiomyopathy. Last evaluated: 2019-01-19. Review status: criteria provided, single submitter. Criteria: Invitae Variant Classification Sherloc (09022015). Collection method: clinical testing. Allele origin: germline.
Comment: Algorithms developed to predict the effect of sequence changes on RNA splicing suggest that this variant may disrupt the consensus splice site, but this prediction has not been confirmed by published transcriptional studies. In summary, the available evidence is currently insufficient to determine the role of this variant in disease. Therefore, it has been classified as a Variant of Uncertain Significance. The current clinical and genetic evidence is not sufficient to establish whether loss-of-function variants in ANKRD1 cause disease. This variant has not been reported in the literature in individuals with ANKRD1-related conditions. This variant is not present in population databases (ExAC no frequency). This sequence change affects an acceptor splice site in intron 6 of the ANKRD1 gene. It is expected to disrupt RNA splicing and likely results in an absent or disrupted protein product.

NM_014391.3(ANKRD1):c.652-4_652del

Gene: ANKRD1 (ankyrin repeat domain 1; minus strand). Cytogenetic location: 10q23.31.
Variant type: Deletion.
Coding change: c.652-4_652del on transcript NM_014391.3 (MANE Select); 4 bases into the intron before coding-DNA position 652 through coding-DNA position 652, 5 bases deleted (CCAGT; older notation c.652-4_652delCCAGT).
Molecular consequence: splice acceptor variant.
Genome position (GRCh38, 1-based): chr10:90,915,880-90,915,884, ACTGG deleted on the plus strand (CCAGT on the coding strand, the reverse complement: ANKRD1 is on the minus strand); deleting any 5 consecutive bases within chr10:90,915,880-90,915,885 gives the same sequence; the c. name uses the placement nearest the transcript's 3' end. VCF-style (leftmost placement, unchanged base first): chr10-90915879-AACTGG-A. GRCh37 (hg19) VCF-style: chr10-92675636-AACTGG-A.
Identifiers: ClinVar variation 851955 (VCV000851955.7), dbSNP rs1847365009, ClinGen allele CA916081612.